The following is an entry in ClinVar:

NM_000350.3(ABCA4):c.5160del (p.Thr1721fs)

Gene: ABCA4 (ATP binding cassette subfamily A member 4; minus strand). Cytogenetic location: 1p22.1.
Variant type: Deletion.
Coding change: c.5160del on transcript NM_000350.3 (MANE Select); coding-DNA position 5160, one base deleted (C; older notation c.5160delC).
Protein change: p.Thr1721fs; shifts the reading frame from threonine 1721.
Molecular consequence: frameshift variant.
Genome position (GRCh38, 1-based): chr1:94,019,618, G deleted on the plus strand (C on the coding strand, the reverse complement: ABCA4 is on the minus strand); the first of 4 consecutive G bases (chr1:94,019,618-94,019,621); deleting any one gives the same sequence. VCF-style (leftmost placement, unchanged base first): chr1-94019617-TG-T. GRCh37 (hg19) VCF-style: chr1-94485173-TG-T.
Other names: c.4938del, p.Thr1647fs (NM_001425324.1); short protein forms T1647fs, T1721fs.
Identifiers: ClinVar variation 4806367 (VCV004806367.1).

ClinVar aggregate classification (germline): Pathogenic (1 of 4 stars; one submission).

Submission:

Labcorp Genetics (formerly Invitae), Labcorp
Classification: Pathogenic. Last evaluated: 2025-04-29. Review status: criteria provided, single submitter. Criteria: Invitae Variant Classification Sherloc (09022015). Collection method: clinical testing. Allele origin: germline.
Comment: This sequence change creates a premature translational stop signal (p.Thr1721Profs*5) in the ABCA4 gene. It is expected to result in an absent or disrupted protein product. Loss-of-function variants in ABCA4 are known to be pathogenic (PMID: 10958761, 24938718, 25312043, 26780318). This variant is not present in population databases (gnomAD no frequency). This variant has not been reported in the literature in individuals affected with ABCA4-related conditions. For these reasons, this variant has been classified as Pathogenic.

Literature cited by the submitters: PubMed 10958761; PubMed 24938718; PubMed 25312043; PubMed 26780318.